The following is an entry in ClinVar:

NM_194293.4(XIRP1):c.744C>T (p.Gly248=)

Gene: XIRP1 (xin actin binding repeat containing 1; minus strand). Cytogenetic location: 3p22.2.
Variant type: single nucleotide variant.
Coding change: c.744C>T on transcript NM_194293.4 (MANE Select); coding-DNA position 744, C replaced by T.
Protein change: p.Gly248=; no amino-acid change (glycine 248 retained).
Molecular consequence: synonymous variant. On other transcripts: intron variant (1).
Genome position (GRCh38, 1-based): chr3:39,188,702, G>A on the plus strand (C>T on the coding strand, the complement: XIRP1 is on the minus strand). VCF-style: chr3-39188702-G-A. GRCh37 (hg19) VCF-style: chr3-39230193-G-A.
Other names: c.744C>T, p.Gly248= (NM_001198621.4); c.-167-3041C>T (NM_001351377.2).
Identifiers: ClinVar variation 3046233 (VCV003046233.2), dbSNP rs150253646, ClinGen allele CA2326666.

ClinVar aggregate classification (germline): Likely benign (0 of 4 stars; one submission).

Conditions:
XIRP1-related disorder. Also called: XIRP1-related condition.

Allele frequency attached by ClinVar (database versions not stated): gnomAD exomes 0.00013; ExAC 0.00015; ESP Exome Variant Server 0.00023; 1000 Genomes Project 30x 0.00031; gnomAD 0.00037; TOPMed 0.00047.

Submission:

PreventionGenetics, part of Exact Sciences
Classification: Likely benign for XIRP1-related condition. Last evaluated: 2019-10-07. Review status: no assertion criteria provided. Collection method: clinical testing. Allele origin: germline.
Comment: This variant is classified as likely benign based on ACMG/AMP sequence variant interpretation guidelines (Richards et al. 2015 PMID: 25741868, with internal and published modifications).